The following is an entry in ClinVar:

NM_000937.5(POLR2A):c.1982G>A (p.Gly661Asp)

Gene: POLR2A (RNA polymerase II subunit A; plus strand). Cytogenetic location: 17p13.1.
Variant type: single nucleotide variant.
Coding change: c.1982G>A on transcript NM_000937.5 (MANE Select); coding-DNA position 1982, G replaced by A.
Protein change: p.Gly661Asp; replaces glycine 661 with aspartic acid.
Molecular consequence: missense variant.
Genome position (GRCh38, 1-based): chr17:7,501,040, G>A. VCF-style: chr17-7501040-G-A. GRCh37 (hg19) VCF-style: chr17-7404359-G-A.
Other names: short protein forms G661D.
Identifiers: ClinVar variation 2616711 (VCV002616711.2), dbSNP rs2508133328, ClinGen allele CA397883993.

ClinVar aggregate classification (germline): Uncertain significance (1 of 4 stars; one submission).

Conditions:
Inborn genetic diseases. Identifiers: MedGen C0950123, MeSH D030342.

Submission:

Ambry Genetics
Classification: Uncertain significance for Inborn genetic diseases. Last evaluated: 2023-08-23. Review status: criteria provided, single submitter. Criteria: Ambry Variant Classification Scheme 2023. Collection method: clinical testing. Allele origin: germline.
Comment: The c.1982G>A (p.G661D) alteration is located in exon 12 (coding exon 12) of the POLR2A gene. This alteration results from a G to A substitution at nucleotide position 1982, causing the glycine (G) at amino acid position 661 to be replaced by an aspartic acid (D). This variant was not reported in population-based cohorts in the Genome Aggregation Database (gnomAD). This amino acid position is highly conserved in available vertebrate species. This alteration is predicted to be deleterious by in silico analysis. Based on insufficient or conflicting evidence, the clinical significance of this alteration remains unclear.